The following is an entry in ClinVar:

ClinVar aggregate classification (germline): Conflicting classifications of pathogenicity. Review status: criteria provided, conflicting classifications (1 of 4 stars). 5 submissions from 5 submitters: Uncertain significance (2); Benign (1); Likely benign (2). Last evaluated 2025-12-02.

Conditions:
Inborn genetic diseases. Identifiers: MedGen C0950123, MeSH D030342.

Allele frequency attached by ClinVar (database versions not stated): gnomAD exomes 0.00039; ExAC 0.00044; 1000 Genomes Project 30x 0.00125; TOPMed 0.00125; gnomAD 0.00128 and 0.00132; 1000 Genomes Project 0.00140; ESP Exome Variant Server 0.00154.

Submissions (5):

Labcorp Genetics (formerly Invitae), Labcorp
Classification: Likely benign. Last evaluated: 2025-12-02. Review status: criteria provided, single submitter. Criteria: Invitae Variant Classification Sherloc (09022015). Collection method: clinical testing. Allele origin: germline.

GeneDx
Classification: Uncertain significance. Last evaluated: 2025-11-14. Review status: criteria provided, single submitter. Criteria: GeneDx Variant Classification Process June 2021. Collection method: clinical testing. Allele origin: germline. Affected: yes.
Comment: Has not been previously published as pathogenic or benign to our knowledge; In silico analysis supports that this missense variant has a deleterious effect on protein structure/function

CeGaT Center for Human Genetics Tuebingen
Classification: Uncertain significance. Last evaluated: 2025-09-01. Review status: criteria provided, single submitter. Criteria: CeGaT Center For Human Genetics Tuebingen Variant Classification Criteria Version 2. Collection method: clinical testing. Allele origin: germline. Affected: yes. Observed: 1 variant allele.
Comment: LAMA1: PM2, BP4

Blueprint Genetics
Classification: Benign. Last evaluated: 2024-08-05. Review status: criteria provided, single submitter. Criteria: ACMG Guidelines, 2015. Collection method: clinical testing. Allele origin: germline.

Ambry Genetics
Classification: Likely benign for Inborn genetic diseases. Last evaluated: 2024-06-07. Review status: criteria provided, single submitter. Criteria: Ambry Variant Classification Scheme 2023. Collection method: clinical testing. Allele origin: germline.

NM_005559.4(LAMA1):c.4550T>A (p.Val1517Asp)

Gene: LAMA1 (laminin subunit alpha 1; minus strand). Cytogenetic location: 18p11.31.
Variant type: single nucleotide variant.
Coding change: c.4550T>A on transcript NM_005559.4 (MANE Select); coding-DNA position 4550, T replaced by A.
Protein change: p.Val1517Asp; replaces valine 1517 with aspartic acid.
Molecular consequence: missense variant.
Genome position (GRCh38, 1-based): chr18:6,999,558, A>T on the plus strand (T>A on the coding strand, the complement: LAMA1 is on the minus strand). VCF-style: chr18-6999558-A-T. GRCh37 (hg19) VCF-style: chr18-6999557-A-T.
Other names: short protein forms V1517D.
Identifiers: ClinVar variation 737637 (VCV000737637.22), dbSNP rs146822562, ClinGen allele CA8881885.